The following is an entry in ClinVar:

ClinVar aggregate classification (germline): Uncertain significance (1 of 4 stars; one submission).
ClinVar aggregate classification (oncogenicity): Likely oncogenic (0 of 4 stars; one submission).

Conditions:
Hereditary cancer-predisposing syndrome. Also called: Neoplastic Syndromes, Hereditary; Tumor predisposition; Hereditary neoplastic syndrome; Hereditary Cancer Syndrome. Identifiers: Orphanet 140162, MedGen C0027672, MeSH D009386, MONDO:0015356.
Pancreatic ductal adenocarcinoma. Also called: Pancreatic tubular adenocarcinoma. Identifiers: MedGen C1335302, MONDO:0005184.

Submissions (2):

Ambry Genetics
Classification: Uncertain significance for Hereditary cancer-predisposing syndrome. Last evaluated: 2024-08-23. Review status: criteria provided, single submitter. Criteria: Ambry Variant Classification Scheme 2023. Collection method: clinical testing. Allele origin: germline.
Comment: The p.A381T variant (also known as c.1141G>A), located in coding exon 9 of the APC gene, results from a G to A substitution at nucleotide position 1141. The alanine at codon 381 is replaced by threonine, an amino acid with similar properties. This amino acid position is highly conserved in available vertebrate species. In addition, in silico predictors for this gene do not accurately predict pathogenicity. Missense alterations in APC are not a common cause of disease (Spier I et al. Genet Med. 2024 Feb;26(2):100992). Based on the available evidence, the clinical significance of this variant remains unclear.

Adnan Lab, Aga Khan University
Classification: Likely oncogenic for Pancreatic Ductal Adenocarcinoma. Review status: no assertion criteria provided. Collection method: research. Allele origin: somatic. Affected: yes. Observed: 3 variant alleles.

NM_000038.6(APC):c.1141G>A (p.Ala381Thr)

Gene: APC (APC regulator of Wnt signaling pathway; plus strand). Cytogenetic location: 5q22.2.
Variant type: single nucleotide variant.
Coding change: c.1141G>A on transcript NM_000038.6 (MANE Select); coding-DNA position 1141, G replaced by A.
Protein change: p.Ala381Thr; replaces alanine 381 with threonine.
Molecular consequence: missense variant. On other transcripts: non-coding transcript variant (2), intron variant (15).
Genome position (GRCh38, 1-based): chr5:112,819,173, G>A. VCF-style: chr5-112819173-G-A. GRCh37 (hg19) VCF-style: chr5-112154870-G-A.
Other names: c.1141G>A, p.Ala381Thr (NM_001127510.3, NM_001354895.2, NM_001354896.2 and 4 more transcripts); c.1087G>A, p.Ala363Thr (NM_001127511.3); c.1171G>A, p.Ala391Thr (NM_001354897.2, NM_001407446.1); c.1066G>A, p.Ala356Thr (NM_001354898.2, NM_001407451.1); c.1057G>A, p.Ala353Thr (NM_001354899.2, NM_001407452.1); c.964G>A, p.Ala322Thr (NM_001354900.2, NM_001354901.2, NM_001407453.1); c.292G>A, p.Ala98Thr (NM_001354906.2, NM_001407470.1); c.85-96G>A (NM_001407472.1, NM_001407471.1); and 6 more; short protein forms A322T, A353T, A356T, A363T, A381T, A391T, A98T.
Identifiers: ClinVar variation 3236466 (VCV003236466.2), ClinGen allele CA16023804.